The following is an entry in ClinVar:

NM_000286.3(PEX12):c.793T>C (p.Tyr265His)

Gene: PEX12 (peroxisomal biogenesis factor 12; minus strand). Cytogenetic location: 17q12.
Variant type: single nucleotide variant.
Coding change: c.793T>C on transcript NM_000286.3 (MANE Select); coding-DNA position 793, T replaced by C.
Protein change: p.Tyr265His; replaces tyrosine 265 with histidine.
Molecular consequence: missense variant.
Genome position (GRCh38, 1-based): chr17:35,576,069, A>G on the plus strand (T>C on the coding strand, the complement: PEX12 is on the minus strand). VCF-style: chr17-35576069-A-G. GRCh37 (hg19) VCF-style: chr17-33903088-A-G.
Other names: short protein forms Y265H.
Identifiers: ClinVar variation 890227 (VCV000890227.8), dbSNP rs142726996, ClinGen allele CA8504839.

ClinVar aggregate classification (germline): Uncertain significance. Review status: criteria provided, multiple submitters, no conflicts (2 of 4 stars). 4 submissions from 4 submitters: Uncertain significance (4). Last evaluated 2025-08-12.

Conditions:
Peroxisome biogenesis disorder 3A (Zellweger). Also called: PEROXISOMAL BIOGENESIS DISORDER 3A (ZELLWEGER); Peroxisome biogenesis disorder 3A. Identifiers: Orphanet 912, MedGen C3553929, MONDO:0013927, OMIM 614859.
Inborn genetic diseases. Identifiers: MedGen C0950123, MeSH D030342.

Allele frequency attached by ClinVar (database versions not stated): gnomAD exomes 0.00008 and 0.00014; TOPMed 0.00008; gnomAD 0.00011; ExAC 0.00012; ESP Exome Variant Server 0.00015.

Submissions (4):

Ambry Genetics
Classification: Uncertain significance for Inborn genetic diseases. Last evaluated: 2025-08-12. Review status: criteria provided, single submitter. Criteria: Ambry Variant Classification Scheme 2023. Collection method: clinical testing. Allele origin: germline.

Blueprint Genetics
Classification: Uncertain significance. Last evaluated: 2023-05-16. Review status: criteria provided, single submitter. Criteria: ACMG Guidelines, 2015. Collection method: clinical testing. Allele origin: germline.

Labcorp Genetics (formerly Invitae), Labcorp
Classification: Uncertain significance for Peroxisome biogenesis disorder 3A (Zellweger). Last evaluated: 2022-10-25. Review status: criteria provided, single submitter. Criteria: Invitae Variant Classification Sherloc (09022015). Collection method: clinical testing. Allele origin: germline.
Comment: This sequence change replaces tyrosine, which is neutral and polar, with histidine, which is basic and polar, at codon 265 of the PEX12 protein (p.Tyr265His). This variant is present in population databases (rs142726996, gnomAD 0.02%). This variant has not been reported in the literature in individuals affected with PEX12-related conditions. ClinVar contains an entry for this variant (Variation ID: 890227). Advanced modeling of protein sequence and biophysical properties (such as structural, functional, and spatial information, amino acid conservation, physicochemical variation, residue mobility, and thermodynamic stability) performed at Invitae indicates that this missense variant is not expected to disrupt PEX12 protein function. In summary, the available evidence is currently insufficient to determine the role of this variant in disease. Therefore, it has been classified as a Variant of Uncertain Significance.

Illumina Laboratory Services, Illumina
Classification: Uncertain significance for Peroxisome biogenesis disorder 3A (Zellweger). Last evaluated: 2018-01-13. Review status: criteria provided, single submitter. Criteria: ICSL Variant Classification Criteria 13 December 2019. Collection method: clinical testing. Allele origin: germline.